The following is an entry in ClinVar:

NM_001142966.3(GREB1L):c.3353G>C (p.Arg1118Pro)

Gene: GREB1L (GREB1 like retinoic acid receptor coactivator; plus strand). Cytogenetic location: 18q11.1.
Variant type: single nucleotide variant.
Coding change: c.3353G>C on transcript NM_001142966.3 (MANE Select); coding-DNA position 3353, G replaced by C.
Protein change: p.Arg1118Pro; replaces arginine 1118 with proline.
Molecular consequence: missense variant.
Genome position (GRCh38, 1-based): chr18:21,496,660, G>C. VCF-style: chr18-21496660-G-C. GRCh37 (hg19) VCF-style: chr18-19076621-G-C.
Other names: c.3482G>C, p.Arg1161Pro (NM_001410867.1); c.3026G>C, p.Arg1009Pro (NM_001410868.1); short protein forms R1009P, R1118P, R1161P.
Identifiers: ClinVar variation 2635141 (VCV002635141.1), dbSNP rs1272651891, ClinGen allele CA401748910.

ClinVar aggregate classification (germline): Uncertain significance (1 of 4 stars; one submission).

Conditions:
GREB1L-related disorder. Also called: GREB1L-related condition.

Allele frequency attached by ClinVar (database versions not stated): gnomAD 0.00001.
gnomAD v4.1: 4 of 1,551,470 alleles (0.00026%); highest among the groups gnomAD compares: African/African-American, 0.0041%; no homozygotes.

Submission:

PreventionGenetics, part of Exact Sciences
Classification: Uncertain significance for GREB1L-related condition. Last evaluated: 2022-11-16. Review status: criteria provided, single submitter. Criteria: ACMG Guidelines, 2015. Collection method: clinical testing. Allele origin: germline.
Comment: The GREB1L c.3353G>C variant is predicted to result in the amino acid substitution p.Arg1118Pro. To our knowledge, this variant has not been reported in the literature. This variant is reported in 0.0060% of alleles in individuals of African descent in gnomAD. At this time, the clinical significance of this variant is uncertain due to the absence of conclusive functional and genetic evidence.